The following is an entry in ClinVar:

ClinVar aggregate classification (germline): Benign/Likely benign. Review status: criteria provided, multiple submitters, no conflicts (2 of 4 stars). 4 submissions from 4 submitters: Benign (2); Likely benign (2). Last evaluated 2026-01-02.

Conditions:
Glutamate formiminotransferase deficiency. Also called: Arakawa syndrome 1; Formiminoglutamic aciduria. Identifiers: Orphanet 51208, MedGen C0268609, MONDO:0009240, OMIM 229100.

Allele frequency attached by ClinVar (database versions not stated): ESP Exome Variant Server 0.00008; gnomAD 0.00039 and 0.00049; 1000 Genomes Project 0.00040; TOPMed 0.00045; 1000 Genomes Project 30x 0.00047; gnomAD exomes 0.00072 and 0.00102; ExAC 0.00246.
gnomAD v4.1: 1,108 of 1,550,198 alleles (0.071%); highest among the groups gnomAD compares: Middle Eastern, 0.36%; 4 homozygotes.

Submissions (4):

Labcorp Genetics (formerly Invitae), Labcorp
Classification: Benign for Glutamate formiminotransferase deficiency. Last evaluated: 2026-01-02. Review status: criteria provided, single submitter. Criteria: Invitae Variant Classification Sherloc (09022015). Collection method: clinical testing. Allele origin: germline.

CeGaT Center for Human Genetics Tuebingen
Classification: Likely benign. Last evaluated: 2025-07-01. Review status: criteria provided, single submitter. Criteria: CeGaT Center For Human Genetics Tuebingen Variant Classification Criteria Version 2. Collection method: clinical testing. Allele origin: germline. Affected: yes. Observed: 4 variant alleles.
Comment: FTCD: BP4, BP7

Blueprint Genetics
Classification: Likely benign. Last evaluated: 2024-10-28. Review status: criteria provided, single submitter. Criteria: ACMG Guidelines, 2015. Collection method: clinical testing. Allele origin: germline.

Breakthrough Genomics
Classification: Benign. Review status: criteria provided, single submitter. Criteria: ACMG Guidelines, 2015. Collection method: not provided. Allele origin: germline. Inheritance: Autosomal recessive inheritance. Affected: yes.

NM_206965.2(FTCD):c.267C>T (p.Asp89=)

Gene: FTCD (formimidoyltransferase cyclodeaminase; minus strand). Cytogenetic location: 21q22.3.
Variant type: single nucleotide variant.
Coding change: c.267C>T on transcript NM_206965.2 (MANE Select); coding-DNA position 267, C replaced by T.
Protein change: p.Asp89=; no amino-acid change (aspartic acid 89 retained).
Molecular consequence: synonymous variant.
Genome position (GRCh38, 1-based): chr21:46,153,007, G>A on the plus strand (C>T on the coding strand, the complement: FTCD is on the minus strand). VCF-style: chr21-46153007-G-A. GRCh37 (hg19) VCF-style: chr21-47572921-G-A.
Other names: c.267C>T, p.Asp89= (NM_001320412.2, NM_006657.3).
Identifiers: ClinVar variation 340443 (VCV000340443.39), dbSNP rs370444672, ClinGen allele CA10073986.